The following is an entry in ClinVar:

ClinVar aggregate classification (germline): Uncertain significance (1 of 4 stars; one submission).

Conditions:
Long QT syndrome (LQTS). Identifiers: MedGen C0023976, MeSH D008133, MONDO:0002442. Disease mechanism: loss of function. Inheritance: Various modes of inheritance.

Allele frequency attached by ClinVar (database versions not stated): gnomAD 0.00001 and 0.00002; TOPMed 0.00001.
gnomAD v4.1: 2 of 1,613,976 alleles (0.00012%); highest among the groups gnomAD compares: African/African-American, 0.0027%; no homozygotes.

Submission:

Labcorp Genetics (formerly Invitae), Labcorp
Classification: Uncertain significance for Long QT syndrome. Last evaluated: 2017-03-07. Review status: criteria provided, single submitter. Criteria: Invitae Variant Classification Sherloc (09022015). Collection method: clinical testing. Allele origin: germline.
Comment: In summary, this variant is a novel missense change with uncertain impact on protein function. It has been classified as a Variant of Uncertain Significance. Algorithms developed to predict the effect of missense changes on protein structure and function do not agree on the potential impact of this missense change (SIFT: "Tolerated"; PolyPhen-2: "Possibly Damaging"; Align-GVGD: "Class C0"). This variant is not present in population databases (ExAC no frequency) and has not been reported in the literature in individuals with a ANK2-related disease. This sequence change replaces proline with threonine at codon 2406 of the ANK2 protein (p.Pro2406Thr). The proline residue is moderately conserved and there is a small physicochemical difference between proline and threonine.

NM_001148.6(ANK2):c.7216C>A (p.Pro2406Thr)

Genes: ANK2 (ankyrin 2; plus strand), LOC126807137 (CDK7 strongly-dependent group 2 enhancer GRCh37_chr4:114276560-114277759; plus strand). Cytogenetic location: 4q26.
Variant type: single nucleotide variant.
Coding change: c.7216C>A on transcript NM_001148.6 (MANE Select); coding-DNA position 7216, C replaced by A.
Protein change: p.Pro2406Thr; replaces proline 2406 with threonine.
Molecular consequence: missense variant. On other transcripts: intron variant (68).
Genome position (GRCh38, 1-based): chr4:113,355,834, C>A. VCF-style: chr4-113355834-C-A. GRCh37 (hg19) VCF-style: chr4-114276990-C-A.
Other names: c.6982C>A, p.Pro2328Thr (NM_001386142.1); c.3616C>A, p.Pro1206Thr (NM_001386166.1); c.7357C>A, p.Pro2453Thr (NM_001386174.1); c.7333C>A, p.Pro2445Thr (NM_001386175.1); c.4412-4989C>A (NM_001386186.2, NM_001386148.2); c.4214-4989C>A (NM_001354269.3); c.4292-4989C>A (NM_001386187.2); c.4253-4989C>A (NM_001386147.1); and 35 more; short protein forms P2406T, P1206T, P2328T, P2445T, P2453T.
Identifiers: ClinVar variation 457050 (VCV000457050.5), dbSNP rs1430842551, ClinGen allele CA357929867.